The following is an entry in ClinVar:

NM_002386.4(MC1R):c.709C>T (p.Leu237Phe)

Gene: MC1R (melanocortin 1 receptor; plus strand). Cytogenetic location: 16q24.3.
Variant type: single nucleotide variant.
Coding change: c.709C>T on transcript NM_002386.4 (MANE Select); coding-DNA position 709, C replaced by T.
Protein change: p.Leu237Phe; replaces leucine 237 with phenylalanine.
Molecular consequence: missense variant.
Genome position (GRCh38, 1-based): chr16:89,919,967, C>T. VCF-style: chr16-89919967-C-T. GRCh37 (hg19) VCF-style: chr16-89986375-C-T.
Other names: short protein forms L237F.
Identifiers: ClinVar variation 4104845 (VCV004104845.1).
Genomic context (GRCh38, chr16:89,919,967, plus strand): 5'-CACGCCCAGGGCATCGCCCGGCTCCACAAGAGGCAGCGCCCGGTCCACCAGGGCTTTGGC[C>T]TTAAAGGCGCTGTCACCCTCACCATCCTGCTGGGCATTTTCTTCCTCTGCTGGGGCCCCT-3'
Protein context (NP_002377.4, residues 227-247): RQRPVHQGFG[Leu237Phe]KGAVTLTILL

ClinVar aggregate classification (germline): Uncertain significance (1 of 4 stars; one submission).

Submission:

Ambry Genetics
Classification: Uncertain significance. Last evaluated: 2025-06-22. Review status: criteria provided, single submitter. Criteria: Ambry Variant Classification Scheme 2023. Collection method: clinical testing. Allele origin: germline.
Comment: The p.L237F variant (also known as c.709C>T), located in coding exon 1 of the MC1R gene, results from a C to T substitution at nucleotide position 709. The leucine at codon 237 is replaced by phenylalanine, an amino acid with highly similar properties. This amino acid position is conserved. In addition, this alteration is predicted to be tolerated by in silico analysis. Based on the available evidence, the clinical significance of this variant remains unclear.